The following is an entry in ClinVar:

ClinVar aggregate classification (germline): Uncertain significance (1 of 4 stars; one submission).

Conditions:
Cardiovascular phenotype. Identifiers: MedGen CN230736.

Submission:

Ambry Genetics
Classification: Uncertain significance for Cardiovascular phenotype. Last evaluated: 2026-02-15. Review status: criteria provided, single submitter. Criteria: Ambry Variant Classification Scheme 2023. Collection method: clinical testing. Allele origin: germline.
Comment: The p.S532I variant (also known as c.1595G>T), located in coding exon 8 of the SHOC2 gene, results from a G to T substitution at nucleotide position 1595. The serine at codon 532 is replaced by isoleucine, an amino acid with dissimilar properties. This amino acid position is conserved. In addition, the in silico prediction for this alteration is inconclusive. Based on the available evidence, the clinical significance of this variant remains unclear.

NM_007373.4(SHOC2):c.1595G>T (p.Ser532Ile)

Gene: SHOC2 (SHOC2 leucine rich repeat scaffold protein; plus strand). Cytogenetic location: 10q25.2.
Variant type: single nucleotide variant.
Coding change: c.1595G>T on transcript NM_007373.4 (MANE Select); coding-DNA position 1595, G replaced by T.
Protein change: p.Ser532Ile; replaces serine 532 with isoleucine.
Molecular consequence: missense variant. On other transcripts: 3 prime UTR variant (1), non-coding transcript variant (1).
Genome position (GRCh38, 1-based): chr10:111,011,664, G>T. VCF-style: chr10-111011664-G-T. GRCh37 (hg19) VCF-style: chr10-112771422-G-T.
Other names: c.1457G>T, p.Ser486Ile (NM_001269039.3, NM_001441186.1); c.1595G>T, p.Ser532Ile (NM_001324336.2, NM_001324337.2, NM_001441184.1 and 1 more transcripts); c.*37G>T (NM_001441187.1); c.926G>T, p.Ser309Ile (NM_001441188.1); c.512G>T, p.Ser171Ile (NM_001441189.1, NM_001441190.1, NM_001441191.1); short protein forms S171I, S486I, S532I, S309I.
Identifiers: ClinVar variation 4824266 (VCV004824266.1).